The following is an entry in ClinVar:

ClinVar aggregate classification (germline): Uncertain significance. Review status: criteria provided, multiple submitters, no conflicts (2 of 4 stars). 2 submissions from 2 submitters: Uncertain significance (2). Last evaluated 2024-11-25.

Allele frequency attached by ClinVar (database versions not stated): gnomAD 0.00001; TOPMed 0.00003.
gnomAD v4.1: 42 of 1,613,882 alleles (0.0026%); highest among the groups gnomAD compares: Middle Eastern, 0.016%; no homozygotes.

Submissions (2):

Blueprint Genetics
Classification: Uncertain significance. Last evaluated: 2024-11-25. Review status: criteria provided, single submitter. Criteria: ACMG Guidelines, 2015. Collection method: clinical testing. Allele origin: germline.

Labcorp Genetics (formerly Invitae), Labcorp
Classification: Uncertain significance. Last evaluated: 2022-08-19. Review status: criteria provided, single submitter. Criteria: Invitae Variant Classification Sherloc (09022015). Collection method: clinical testing. Allele origin: germline.
Comment: This sequence change replaces tyrosine, which is neutral and polar, with serine, which is neutral and polar, at codon 97 of the DNAJC21 protein (p.Tyr97Ser). This variant is present in population databases (rs746567825, gnomAD 0.006%). This variant has not been reported in the literature in individuals affected with DNAJC21-related conditions. ClinVar contains an entry for this variant (Variation ID: 1365071). Algorithms developed to predict the effect of missense changes on protein structure and function are either unavailable or do not agree on the potential impact of this missense change (SIFT: "Tolerated"; PolyPhen-2: "Probably Damaging"; Align-GVGD: "Class C0"). In summary, the available evidence is currently insufficient to determine the role of this variant in disease. Therefore, it has been classified as a Variant of Uncertain Significance.

NM_001012339.3(DNAJC21):c.290A>C (p.Tyr97Ser)

Gene: DNAJC21 (DnaJ heat shock protein family (Hsp40) member C21; plus strand). Cytogenetic location: 5p13.2.
Variant type: single nucleotide variant.
Coding change: c.290A>C on transcript NM_001012339.3 (MANE Select); coding-DNA position 290, A replaced by C.
Protein change: p.Tyr97Ser; replaces tyrosine 97 with serine.
Molecular consequence: missense variant.
Genome position (GRCh38, 1-based): chr5:34,935,808, A>C. VCF-style: chr5-34935808-A-C. GRCh37 (hg19) VCF-style: chr5-34935913-A-C.
Other names: c.290A>C, p.Tyr97Ser (NM_001348420.2, NM_194283.4); short protein forms Y97S.
Identifiers: ClinVar variation 1365071 (VCV001365071.6), dbSNP rs746567825, ClinGen allele CA3228397.
Genomic context (GRCh38, chr5:34,935,808, plus strand): 5'-TTGATGGCGAATATCAAGATGACAGCTTAGATTTGCTACGCTATTTCACCGTTACCTGTT[A>C]TTCTGGTTATGGAGATGATGAAAAGGTAAGATAAATGAACTCACCCTTGATTTCTCATCA-3'
Protein context (NP_001012339.2, residues 87-107): DLLRYFTVTC[Tyr97Ser]SGYGDDEKGF